The following is an entry in ClinVar:

ClinVar aggregate classification (germline): Uncertain significance. Review status: criteria provided, multiple submitters, no conflicts (2 of 4 stars). 3 submissions from 3 submitters: Uncertain significance (2). 1 of the submissions does not count toward it. Last evaluated 2024-07-23.

Conditions:
Usher syndrome. Also called: Usher Syndromes; Usher's syndrome. Identifiers: Orphanet 886, MedGen CN469326, MeSH D052245, MONDO:0019501. Disease mechanism: loss of function.

gnomAD v4.1: 1 of 1,604,616 alleles (0.000062%); highest among the groups gnomAD compares: South Asian, 0.0011%; no homozygotes.

Submissions (3):

Blueprint Genetics
Classification: Uncertain significance. Last evaluated: 2024-07-23. Review status: criteria provided, single submitter. Criteria: ACMG Guidelines, 2015. Collection method: clinical testing. Allele origin: germline.

Labcorp Genetics (formerly Invitae), Labcorp
Classification: Uncertain significance. Last evaluated: 2023-07-27. Review status: criteria provided, single submitter. Criteria: Invitae Variant Classification Sherloc (09022015). Collection method: clinical testing. Allele origin: germline.
Comment: Variants that disrupt the consensus splice site are a relatively common cause of aberrant splicing (PMID: 17576681, 9536098). Algorithms developed to predict the effect of sequence changes on RNA splicing suggest that this variant may disrupt the consensus splice site. In summary, the available evidence is currently insufficient to determine the role of this variant in disease. Therefore, it has been classified as a Variant of Uncertain Significance. ClinVar contains an entry for this variant (Variation ID: 560484). This variant has not been reported in the literature in individuals affected with PROM1-related conditions. This variant is not present in population databases (gnomAD no frequency). This sequence change falls in intron 17 of the PROM1 gene. It does not directly change the encoded amino acid sequence of the PROM1 protein. It affects a nucleotide within the consensus splice site.

Joint Genome Diagnostic Labs from Nijmegen and Maastricht, Radboudumc and MUMC+
Classification: Uncertain significance for Usher syndrome. Last evaluated: 2016-09-01. Review status: no assertion criteria provided. Collection method: clinical testing. Allele origin: unknown. Affected: yes. Observed: 1 variant allele. Not counted in ClinVar's aggregate classification.

Literature cited by the submitters: PubMed 17576681 (cited by Labcorp Genetics (formerly Invitae), Labcorp); PubMed 9536098 (cited by Labcorp Genetics (formerly Invitae), Labcorp).

NM_006017.3(PROM1):c.1983+5G>T

Gene: PROM1 (prominin 1; minus strand). Cytogenetic location: 4p15.32.
Variant type: single nucleotide variant.
Coding change: c.1983+5G>T on transcript NM_006017.3 (MANE Select); 5 bases into the intron after coding-DNA position 1983, G replaced by T.
Molecular consequence: intron variant.
Genome position (GRCh38, 1-based): chr4:15,991,217, C>A on the plus strand (G>T on the coding strand, the complement: PROM1 is on the minus strand). VCF-style: chr4-15991217-C-A. GRCh37 (hg19) VCF-style: chr4-15992840-C-A.
Other names: c.1956+5G>T (NM_001145848.2, NM_001145852.2, NM_001145847.2 and 4 more transcripts); c.1983+5G>T (NM_001145850.2, NM_001145849.2).
Identifiers: ClinVar variation 560484 (VCV000560484.6), dbSNP rs1560421595, ClinGen allele CA658822656.
Genomic context (GRCh38, chr4:15,991,217, plus strand): 5'-AAGAATGGTACTGACATTTGACATCTACAACTACTACAGTATTTAACCGGACGATTTGAA[C>A]TCACCAAACTGTTTGCTTTTGCTTCTAGATCATATGCAAATGATAAAAGATTCACTCCTG-3'